The following is an entry in ClinVar:

NM_000038.6(APC):c.730-16A>C

Gene: APC (APC regulator of Wnt signaling pathway; plus strand). Cytogenetic location: 5q22.2.
Variant type: single nucleotide variant.
Coding change: c.730-16A>C on transcript NM_000038.6 (MANE Select); 16 bases into the intron before coding-DNA position 730, A replaced by C.
Molecular consequence: intron variant.
Genome position (GRCh38, 1-based): chr5:112,801,263, A>C. VCF-style: chr5-112801263-A-C. GRCh37 (hg19) VCF-style: chr5-112136960-A-C.
Other names: c.-306-16A>C (NM_001407470.1, NM_001407472.1, NM_001354906.2 and 1 more transcripts); c.730-16A>C (NM_001407447.1, NM_001354895.2, NM_001407456.1 and 12 more transcripts); c.646-16A>C (NM_001407452.1, NM_001407469.1, NM_001354899.2 and 1 more transcripts); c.760-16A>C (NM_001407446.1, NM_001354897.2, NM_001354902.2); c.676-16A>C (NM_001127511.3); c.553-16A>C (NM_001407453.1, NM_001354900.2, NM_001354901.2 and 1 more transcripts); c.655-16A>C (NM_001407451.1, NM_001354898.2, NM_001354904.2).
Identifiers: ClinVar variation 3148443 (VCV003148443.1), dbSNP rs2149711178, ClinGen allele CA2825001340.

ClinVar aggregate classification (germline): Likely benign (1 of 4 stars; one submission).

Conditions:
Familial adenomatous polyposis 1 (FAP1). Also called: POLYPOSIS, ADENOMATOUS INTESTINAL; FAMILIAL ADENOMATOUS POLYPOSIS 1, ATTENUATED. Identifiers: MedGen C2713442, MONDO:0021056, OMIM 175100. Disease mechanism: loss of function.

Submission:

Myriad Genetics, Inc.
Classification: Likely benign for Familial adenomatous polyposis 1. Last evaluated: 2024-02-26. Review status: criteria provided, single submitter. Criteria: Myriad Autosomal Dominant, Autosomal Recessive and X-Linked Classification Criteria (2023). Collection method: clinical testing. Allele origin: unknown.
Comment: This variant is considered likely benign. This variant is intronic and is not expected to impact mRNA splicing.